The following is an entry in ClinVar:

NM_023110.3(FGFR1):c.1954G>A (p.Asp652Asn)

Gene: FGFR1 (fibroblast growth factor receptor 1; minus strand). Cytogenetic location: 8p11.23.
Variant type: single nucleotide variant.
Coding change: c.1954G>A on transcript NM_023110.3 (MANE Select); coding-DNA position 1954, G replaced by A.
Protein change: p.Asp652Asn; replaces aspartic acid 652 with asparagine.
Molecular consequence: missense variant.
Genome position (GRCh38, 1-based): chr8:38,414,802, C>T on the plus strand (G>A on the coding strand, the complement: FGFR1 is on the minus strand). VCF-style: chr8-38414802-C-T. GRCh37 (hg19) VCF-style: chr8-38272320-C-T.
Other names: c.1954G>A, p.Asp652Asn (NM_000604.2); c.1948G>A, p.Asp650Asn (NM_001174063.2, NM_001174065.2, NM_001354367.2 and 1 more transcripts); c.1924G>A, p.Asp642Asn (NM_001174064.2); c.1687G>A, p.Asp563Asn (NM_001174066.2, NM_023105.3); c.2047G>A, p.Asp683Asn (NM_001174067.2); c.1675G>A, p.Asp559Asn (NM_001354368.2); c.1942G>A, p.Asp648Asn (NM_001354369.2, NM_001410922.1); c.1681G>A, p.Asp561Asn (NM_001354370.2, NM_023106.3); short protein forms D683N, D652N, D559N, D561N, D563N, D648N, D642N, D650N.
Identifiers: ClinVar variation 2937465 (VCV002937465.3), dbSNP rs751038400, ClinGen allele CA4718230.

ClinVar aggregate classification (germline): Uncertain significance (1 of 4 stars; one submission).

Conditions:
Hypogonadotropic hypogonadism 2 with or without anosmia (HH2). Also called: FGFR1-Related GnRH Deficiency (Kallmann Syndrome 2); HYPOGONADOTROPIC HYPOGONADISM 2 WITHOUT ANOSMIA; HYPOGONADOTROPIC HYPOGONADISM 2 WITH OR WITHOUT ANOSMIA, SUSCEPTIBILITY TO; HYPOGONADOTROPIC HYPOGONADISM 2 WITHOUT ANOSMIA, SUSCEPTIBILITY TO. Identifiers: Orphanet 478, MedGen C1563720, MONDO:0007844, OMIM 147950. Disease mechanism: loss of function.
Pfeiffer syndrome (ACS5). Also called: ACS V. Identifiers: Orphanet 710, MedGen C0220658, MONDO:0007043, OMIM 101600.

Allele frequency attached by ClinVar (database versions not stated): ExAC 0.00001.
gnomAD v4.1: 18 of 1,613,942 alleles (0.0011%); highest among the groups gnomAD compares: Non-Finnish European, 0.0012%; no homozygotes.

Submission:

Labcorp Genetics (formerly Invitae), Labcorp
Classification: Uncertain significance for Pfeiffer syndrome; Hypogonadotropic hypogonadism 2 with or without anosmia. Last evaluated: 2023-04-10. Review status: criteria provided, single submitter. Criteria: Invitae Variant Classification Sherloc (09022015). Collection method: clinical testing. Allele origin: germline.
Comment: Advanced modeling of protein sequence and biophysical properties (such as structural, functional, and spatial information, amino acid conservation, physicochemical variation, residue mobility, and thermodynamic stability) has been performed at Invitae for this missense variant, however the output from this modeling did not meet the statistical confidence thresholds required to predict the impact of this variant on FGFR1 protein function. In summary, the available evidence is currently insufficient to determine the role of this variant in disease. Therefore, it has been classified as a Variant of Uncertain Significance. This variant has not been reported in the literature in individuals affected with FGFR1-related conditions. This variant is present in population databases (rs751038400, gnomAD 0.01%). This sequence change replaces aspartic acid, which is acidic and polar, with asparagine, which is neutral and polar, at codon 652 of the FGFR1 protein (p.Asp652Asn).